The following is an entry in ClinVar:

Single allele

Variant type: Deletion.
Identifiers: ClinVar variation 157009 (VCV000157009.2).

ClinVar aggregate classification (germline): not provided (0 of 4 stars; one submission).

Conditions:
Normal pregnancy. Identifiers: MedGen C0232989.

Submission:

Institute of Molecular and Cell Biology, University of Tartu
No classification provided. Condition: Normal pregnancy. Review status: no classification provided. Collection method: case-control. Allele origin: unknown. Affected: yes. Study: Kasak2014.
Comment: The study aimed to determine the contribution of copy number variants in the genetic etiology of normal and complicated pregnancies. The samples represented (i) maternal blood DNA drawn from healthy pregnant women during 1st or 2nd trimester and (ii) maternal and paternal blood DNA drawn at term pregnancy cases representing normal and complicated gestations (severe preeclampsia, PE; gestational diabetes, GD; small-for-gestational age newborn, SGA; large-for-gestational age newborn, LGA). We performed CNV calling based on genome-wide genotyping dataset (Illumina HumanOmniExpress-24-v1 BeadChip) by applying three algorithms, QuantiSNP, GADA (Genome Alteration Detection Algorithm) and CNstream in parallel. The acquired CNV calls were merged with HD-CNV (Hotspot Detector for Copy Number Variants) program and only the CNVs predicted by at least two programs, were considered in subsequent analysis.

Literature cited by the submitters: PubMed 25666259.